The following is an entry in ClinVar:

NM_016222.4(DDX41):c.1019A>C (p.Tyr340Ser)

Gene: DDX41 (DEAD-box helicase 41; minus strand). Cytogenetic location: 5q35.3.
Variant type: single nucleotide variant.
Coding change: c.1019A>C on transcript NM_016222.4 (MANE Select); coding-DNA position 1019, A replaced by C.
Protein change: p.Tyr340Ser; replaces tyrosine 340 with serine.
Molecular consequence: missense variant.
Genome position (GRCh38, 1-based): chr5:177,513,764, T>G on the plus strand (A>C on the coding strand, the complement: DDX41 is on the minus strand). VCF-style: chr5-177513764-T-G. GRCh37 (hg19) VCF-style: chr5-176940765-T-G.
Other names: c.641A>C, p.Tyr214Ser (NM_001321732.2, NM_001321830.2); short protein forms Y214S, Y340S.
Identifiers: ClinVar variation 3899309 (VCV003899309.1).

ClinVar aggregate classification (germline): Likely pathogenic (1 of 4 stars; one submission).

Conditions:
DDX41-related hematologic malignancy predisposition syndrome. Also called: DDX41-Associated Familial Myelodysplastic Syndrome and Acute Myeloid Leukemia; Myeloproliferative/lymphoproliferative neoplasms, familial (multiple types), susceptibility to. Identifiers: Orphanet 488647, MedGen C4225174, MONDO:0014809, OMIM 616871.

Submission:

Saint-Louis Hospital, Assistance Publique Hôpitaux de Paris
Classification: Likely pathogenic for DDX41-related hematologic malignancy predisposition syndrome. Last evaluated: 2025-05-13. Review status: criteria provided, single submitter. Criteria: ACMG Guidelines, 2015. Collection method: clinical testing. Allele origin: germline. Affected: yes.
Comment: The variant DDX41 (NM_016222.4):c.1019A>C :p.(Tyr340Ser) is absent from control population databases, and is predicted to have a deleterious impact on protein (alphamissense score at 0.803). Here, it is associated with a second (somatic) DDX41 mutation in bone marrow, which is a classical route of clonal evolution in DDX41-myeloid malignancies predisposition(Duployez et al, 2022, PMID: 35443031).

Literature cited by the submitters: PubMed 35443031.